The following is an entry in ClinVar:

ClinVar aggregate classification (germline): Uncertain significance (1 of 4 stars; one submission).

Conditions:
Glycogen storage disease, type II (IOPD). Also called: Pompe Disease; CARDIOMEGALIA GLYCOGENICA DIFFUSA; GLYCOGENOSIS, GENERALIZED, CARDIAC FORM; GSD II; POMPE DISEASE, INFANTILE-ONSET; GLYCOGEN STORAGE DISEASE II, INFANTILE-ONSET. Identifiers: Orphanet 365, MedGen C0017921, MONDO:0009290, OMIM 232300.

Submission:

Genomenon, Inc
Classification: Uncertain significance for Glycogen storage disease, type II. Last evaluated: 2026-07-01. Review status: criteria provided, single submitter. Criteria: Genomenon Sequence Variant Interpretation Standards - Updated. Collection method: curation. Allele origin: germline.
Comment: GAA p.Gln401Lys (c.1201C>A) is a missense variant that changes the amino acid at codon 401 from Glutamine to Lysine. This variant has been reported in the compound heterozygous and/or homozygous state in at least one individual without a confirmed diagnosis of Pompe disease (PMID:29451150). The presence of pathogenic/likely pathogenic missense variant(s) at the same amino acid position indicates that this residue is likely important for protein function. It is absent or not present at a significant frequency in gnomAD. In silico models predict that this variant is possibly or probably damaging. In conclusion, we classify GAA p.Gln401Lys (c.1201C>A) as a variant of uncertain significance.

Literature cited by the submitters: PubMed 29451150.

NM_000152.5(GAA):c.1201C>A (p.Gln401Lys)

Gene: GAA (alpha glucosidase; plus strand). Cytogenetic location: 17q25.3.
Variant type: single nucleotide variant.
Coding change: c.1201C>A on transcript NM_000152.5 (MANE Select); coding-DNA position 1201, C replaced by A.
Protein change: p.Gln401Lys; replaces glutamine 401 with lysine.
Molecular consequence: missense variant.
Genome position (GRCh38, 1-based): chr17:80,108,703, C>A. VCF-style: chr17-80108703-C-A. GRCh37 (hg19) VCF-style: chr17-78082502-C-A.
Other names: c.1201C>A, p.Gln401Lys (NM_001079803.3, NM_001079804.3, NM_001406741.1 and 1 more transcripts); short protein forms Q401K.
Identifiers: ClinVar variation 4876649 (VCV004876649.1).